The following is an entry in ClinVar:

ClinVar aggregate classification (germline): Uncertain significance (1 of 4 stars; one submission).

Allele frequency attached by ClinVar (database versions not stated): TOPMed below 0.00001; gnomAD 0.00001.
gnomAD v4.1: 1 of 1,613,420 alleles (0.000062%); highest among the groups gnomAD compares: Non-Finnish European, 0.000085%; no homozygotes.

Submission:

Labcorp Genetics (formerly Invitae), Labcorp
Classification: Uncertain significance. Last evaluated: 2022-05-25. Review status: criteria provided, single submitter. Criteria: Invitae Variant Classification Sherloc (09022015). Collection method: clinical testing. Allele origin: germline.
Comment: This variant is not present in population databases (gnomAD no frequency). In summary, the available evidence is currently insufficient to determine the role of this variant in disease. Therefore, it has been classified as a Variant of Uncertain Significance. Algorithms developed to predict the effect of missense changes on protein structure and function output the following: SIFT: "Tolerated"; PolyPhen-2: "Benign"; Align-GVGD: "Class C0". The threonine amino acid residue is found in multiple mammalian species, which suggests that this missense change does not adversely affect protein function. This variant has not been reported in the literature in individuals affected with FREM1-related conditions. This sequence change replaces serine, which is neutral and polar, with threonine, which is neutral and polar, at codon 796 of the FREM1 protein (p.Ser796Thr).

NM_001379081.2(FREM1):c.2387G>C (p.Ser796Thr)

Gene: FREM1 (FRAS1 related extracellular matrix 1; minus strand). Cytogenetic location: 9p22.3.
Variant type: single nucleotide variant.
Coding change: c.2387G>C on transcript NM_001379081.2 (MANE Select); coding-DNA position 2387, G replaced by C.
Protein change: p.Ser796Thr; replaces serine 796 with threonine.
Molecular consequence: missense variant. On other transcripts: non-coding transcript variant (2).
Genome position (GRCh38, 1-based): chr9:14,819,393, C>G on the plus strand (G>C on the coding strand, the complement: FREM1 is on the minus strand). VCF-style: chr9-14819393-C-G. GRCh37 (hg19) VCF-style: chr9-14819391-C-G.
Other names: c.2387G>C, p.Ser796Thr (NM_144966.7); short protein forms S796T.
Identifiers: ClinVar variation 1900877 (VCV001900877.5), dbSNP rs1820868185, ClinGen allele CA372955511.